The following is an entry in ClinVar:

ClinVar aggregate classification (germline): Pathogenic. Review status: criteria provided, multiple submitters, no conflicts (2 of 4 stars). 2 submissions from 2 submitters: Pathogenic (2). Last evaluated 2024-11-08.

Conditions:
C2ORF71 & PCARE-related disorders.

Allele frequency attached by ClinVar (database versions not stated): gnomAD exomes 0.00001 and 0.00002; ExAC 0.00002; gnomAD 0.00003; TOPMed 0.00003; ESP Exome Variant Server 0.00008.
gnomAD v4.1: 15 of 1,614,066 alleles (0.00093%); highest among the groups gnomAD compares: African/African-American, 0.008%; no homozygotes.

Submissions (2):

Labcorp Genetics (formerly Invitae), Labcorp
Classification: Pathogenic. Last evaluated: 2024-11-08. Review status: criteria provided, single submitter. Criteria: Invitae Variant Classification Sherloc (09022015). Collection method: clinical testing. Allele origin: germline.
Comment: This sequence change creates a premature translational stop signal (p.Trp650*) in the PCARE gene. It is expected to result in an absent or disrupted protein product. Loss-of-function variants in PCARE are known to be pathogenic (PMID: 20398886, 24339724, 26496393). This variant is present in population databases (rs371289954, gnomAD 0.007%). This premature translational stop signal has been observed in individual(s) with retinal disease (PMID: 26103963, 28763557). ClinVar contains an entry for this variant (Variation ID: 936777). For these reasons, this variant has been classified as Pathogenic.

Blueprint Genetics
Classification: Pathogenic for C2ORF71 & PCARE-related disorders. Last evaluated: 2023-02-23. Review status: criteria provided, single submitter. Criteria: ACMG Guidelines, 2015. Collection method: clinical testing. Allele origin: germline. Affected: yes. Observed: 5 variant alleles.

Literature cited by the submitters: PubMed 20398886 (cited by Labcorp Genetics (formerly Invitae), Labcorp); PubMed 24339724 (cited by Labcorp Genetics (formerly Invitae), Labcorp); PubMed 26496393 (cited by Labcorp Genetics (formerly Invitae), Labcorp); PubMed 26103963 (cited by Labcorp Genetics (formerly Invitae), Labcorp); PubMed 28763557 (cited by Labcorp Genetics (formerly Invitae), Labcorp).

NM_001029883.3(PCARE):c.1949G>A (p.Trp650Ter)

Gene: PCARE (photoreceptor cilium actin regulator; minus strand). Cytogenetic location: 2p23.2.
Variant type: single nucleotide variant.
Coding change: c.1949G>A on transcript NM_001029883.3 (MANE Select); coding-DNA position 1949, G replaced by A.
Protein change: p.Trp650Ter; replaces tryptophan 650 with a stop codon.
Molecular consequence: nonsense.
Genome position (GRCh38, 1-based): chr2:29,072,313, C>T on the plus strand (G>A on the coding strand, the complement: PCARE is on the minus strand). VCF-style: chr2-29072313-C-T. GRCh37 (hg19) VCF-style: chr2-29295179-C-T.
Other names: short protein forms W650*.
Identifiers: ClinVar variation 936777 (VCV000936777.8), dbSNP rs371289954, ClinGen allele CA1592317.